The following is an entry in ClinVar:

ClinVar aggregate classification (germline): Likely benign. Review status: criteria provided, multiple submitters, no conflicts (2 of 4 stars). 3 submissions from 3 submitters: Likely benign (2). 1 of the submissions does not count toward it. Last evaluated 2024-11-13.

Conditions:
NCAPD2-related disorder. Also called: NCAPD2-related condition.

Allele frequency attached by ClinVar (database versions not stated): gnomAD exomes 0.00004 and 0.00006; ExAC 0.00005; TOPMed 0.00005; gnomAD 0.00006.

Submissions (3):

Blueprint Genetics
Classification: Likely benign. Last evaluated: 2024-11-13. Review status: criteria provided, single submitter. Criteria: ACMG Guidelines, 2015. Collection method: clinical testing. Allele origin: germline.

CeGaT Center for Human Genetics Tuebingen
Classification: Likely benign. Last evaluated: 2021-01-01. Review status: criteria provided, single submitter. Criteria: CeGaT Center For Human Genetics Tuebingen Variant Classification Criteria Version 2. Collection method: clinical testing. Allele origin: germline. Affected: yes. Observed: 1 variant allele.

PreventionGenetics, part of Exact Sciences
Classification: Likely benign for NCAPD2-related condition. Last evaluated: 2019-07-29. Review status: no assertion criteria provided. Collection method: clinical testing. Allele origin: germline. Not counted in ClinVar's aggregate classification.
Comment: This variant is classified as likely benign based on ACMG/AMP sequence variant interpretation guidelines (Richards et al. 2015 PMID: 25741868, with internal and published modifications).

NM_014865.4(NCAPD2):c.3288T>C (p.His1096=)

Gene: NCAPD2 (non-SMC condensin I complex subunit D2; plus strand). Cytogenetic location: 12p13.31.
Variant type: single nucleotide variant.
Coding change: c.3288T>C on transcript NM_014865.4 (MANE Select); coding-DNA position 3288, T replaced by C.
Protein change: p.His1096=; no amino-acid change (histidine 1096 retained).
Molecular consequence: synonymous variant.
Genome position (GRCh38, 1-based): chr12:6,528,317, T>C. VCF-style: chr12-6528317-T-C. GRCh37 (hg19) VCF-style: chr12-6637483-T-C.
Other names: c.3288T>C (NM_014865.3).
Identifiers: ClinVar variation 1012815 (VCV001012815.40), dbSNP rs772653449, ClinGen allele CA6409003.